The following is an entry in ClinVar:

NM_005993.5(TBCD):c.817G>A (p.Ala273Thr)

Gene: TBCD (tubulin folding cofactor D). Cytogenetic location: 17q25.3.
Variant type: single nucleotide variant.
Coding change: c.817G>A on transcript NM_005993.5 (MANE Select); coding-DNA position 817, G replaced by A.
Protein change: p.Ala273Thr; replaces alanine 273 with threonine.
Molecular consequence: missense variant.
Genome position (GRCh38, 1-based): chr17:82,797,802, G>A. VCF-style: chr17-82797802-G-A. GRCh37 (hg19) VCF-style: chr17-80755678-G-A.
Other names: c.766G>A, p.Ala256Thr (NM_001411101.1); c.817G>A, p.Ala273Thr (NM_001411102.1); short protein forms A256T, A273T.
Identifiers: ClinVar variation 2078071 (VCV002078071.4), dbSNP rs759485255, ClinGen allele CA8861767.
Genomic context (GRCh38, chr17:82,797,802, plus strand): 5'-TTTTTTTTTTTTTAGGCACAAATATTTAAACATGGAAAACGTGAAGACTGTTTGCCCTAT[G>A]GTAAGGTTTATTTTTAAGAGACGATATCTTTGTGATGTGAGTTTGCTCATATACAATCAA-3'
Protein context (NP_005984.3, residues 263-283): HGKREDCLPY[Ala273Thr]ATVLRCLDGC

ClinVar aggregate classification (germline): Uncertain significance (1 of 4 stars; one submission).

Allele frequency attached by ClinVar (database versions not stated): gnomAD exomes 0.00001; ExAC 0.00003.
gnomAD v4.1: 13 of 1,573,428 alleles (0.00083%); highest among the groups gnomAD compares: Admixed American, 0.0078%; no homozygotes.

Submission:

Labcorp Genetics (formerly Invitae), Labcorp
Classification: Uncertain significance. Last evaluated: 2024-01-22. Review status: criteria provided, single submitter. Criteria: Invitae Variant Classification Sherloc (09022015). Collection method: clinical testing. Allele origin: germline.
Comment: This sequence change replaces alanine, which is neutral and non-polar, with threonine, which is neutral and polar, at codon 273 of the TBCD protein (p.Ala273Thr). This variant also falls at the last nucleotide of exon 8, which is part of the consensus splice site for this exon. This variant is present in population databases (rs759485255, gnomAD 0.02%). This variant has not been reported in the literature in individuals affected with TBCD-related conditions. ClinVar contains an entry for this variant (Variation ID: 2078071). An algorithm developed to predict the effect of missense changes on protein structure and function (PolyPhen-2) suggests that this variant is likely to be tolerated. Variants that disrupt the consensus splice site are a relatively common cause of aberrant splicing (PMID: 17576681, 9536098). Algorithms developed to predict the effect of sequence changes on RNA splicing suggest that this variant may disrupt the consensus splice site. In summary, the available evidence is currently insufficient to determine the role of this variant in disease. Therefore, it has been classified as a Variant of Uncertain Significance.

Literature cited by the submitters: PubMed 17576681; PubMed 9536098.